The following is an entry in ClinVar:

NM_001287.6(CLCN7):c.2254G>A (p.Ala752Thr)

Gene: CLCN7 (Cl-/H+ antiporter 7; minus strand). Cytogenetic location: 16p13.3.
Variant type: single nucleotide variant.
Coding change: c.2254G>A on transcript NM_001287.6 (MANE Select); coding-DNA position 2254, G replaced by A.
Protein change: p.Ala752Thr; replaces alanine 752 with threonine.
Molecular consequence: missense variant.
Genome position (GRCh38, 1-based): chr16:1,447,083, C>T on the plus strand (G>A on the coding strand, the complement: CLCN7 is on the minus strand). VCF-style: chr16-1447083-C-T. GRCh37 (hg19) VCF-style: chr16-1497084-C-T.
Other names: c.2182G>A, p.Ala728Thr (NM_001114331.3); short protein forms A728T, A752T.
Identifiers: ClinVar variation 2745665 (VCV002745665.3), dbSNP rs2505811175, ClinGen allele CA394185417.

ClinVar aggregate classification (germline): Uncertain significance (1 of 4 stars; one submission).

Submission:

Labcorp Genetics (formerly Invitae), Labcorp
Classification: Uncertain significance. Last evaluated: 2026-01-22. Review status: criteria provided, single submitter. Criteria: Invitae Variant Classification Sherloc (09022015). Collection method: clinical testing. Allele origin: germline.
Comment: This sequence change replaces alanine, which is neutral and non-polar, with threonine, which is neutral and polar, at codon 752 of the CLCN7 protein (p.Ala752Thr). This variant is not present in population databases (gnomAD no frequency). This variant has not been reported in the literature in individuals affected with CLCN7-related conditions. ClinVar contains an entry for this variant (Variation ID: 2745665). Invitae Evidence Modeling of protein sequence and biophysical properties (such as structural, functional, and spatial information, amino acid conservation, physicochemical variation, residue mobility, and thermodynamic stability) indicates that this missense variant is not expected to disrupt CLCN7 protein function with a negative predictive value of 95%. In summary, the available evidence is currently insufficient to determine the role of this variant in disease. Therefore, it has been classified as a Variant of Uncertain Significance.